The following is an entry in ClinVar:

ClinVar aggregate classification (germline): Uncertain significance (1 of 4 stars; one submission).

Submission:

Ambry Genetics
Classification: Uncertain significance. Last evaluated: 2025-05-24. Review status: criteria provided, single submitter. Criteria: Ambry Variant Classification Scheme 2023. Collection method: clinical testing. Allele origin: germline.
Comment: The p.D1233G variant (also known as c.3698A>G), located in coding exon 13 of the CDK12 gene, results from an A to G substitution at nucleotide position 3698. The aspartic acid at codon 1233 is replaced by glycine, an amino acid with similar properties. This amino acid position is conserved. In addition, this alteration is predicted to be tolerated by in silico analysis. Based on the available evidence, the clinical significance of this variant remains unclear.

NM_016507.4(CDK12):c.3698A>G (p.Asp1233Gly)

Gene: CDK12 (cyclin dependent kinase 12; plus strand). Cytogenetic location: 17q12.
Variant type: single nucleotide variant.
Coding change: c.3698A>G on transcript NM_016507.4 (MANE Select); coding-DNA position 3698, A replaced by G.
Protein change: p.Asp1233Gly; replaces aspartic acid 1233 with glycine.
Molecular consequence: missense variant.
Genome position (GRCh38, 1-based): chr17:39,526,254, A>G. VCF-style: chr17-39526254-A-G. GRCh37 (hg19) VCF-style: chr17-37682507-A-G.
Other names: c.3698A>G, p.Asp1233Gly (NM_015083.4); short protein forms D1233G.
Identifiers: ClinVar variation 3999488 (VCV003999488.1).